The following is an entry in ClinVar:

ClinVar aggregate classification (germline): Uncertain significance. Review status: criteria provided, multiple submitters, no conflicts (2 of 4 stars). 2 submissions from 2 submitters: Uncertain significance (2). Last evaluated 2025-07-31.

Conditions:
Hereditary cancer-predisposing syndrome. Also called: Tumor predisposition; Hereditary Cancer Syndrome; Neoplastic Syndromes, Hereditary; Hereditary neoplastic syndrome. Identifiers: Orphanet 140162, MedGen C0027672, MeSH D009386, MONDO:0015356.
Bloom syndrome (BLM). Also called: Bloom-Torre-Machacek syndrome. Identifiers: Orphanet 125, MedGen C0005859, MONDO:0008876, OMIM 210900.

Submissions (2):

Labcorp Genetics (formerly Invitae), Labcorp
Classification: Uncertain significance for Bloom syndrome. Last evaluated: 2025-07-31. Review status: criteria provided, single submitter. Criteria: Invitae Variant Classification Sherloc (09022015). Collection method: clinical testing. Allele origin: germline.
Comment: This sequence change replaces arginine, which is basic and polar, with lysine, which is basic and polar, at codon 979 of the BLM protein (p.Arg979Lys). This variant is not present in population databases (gnomAD no frequency). This variant has not been reported in the literature in individuals affected with BLM-related conditions. ClinVar contains an entry for this variant (Variation ID: 822308). Invitae Evidence Modeling of protein sequence and biophysical properties (such as structural, functional, and spatial information, amino acid conservation, physicochemical variation, residue mobility, and thermodynamic stability) indicates that this missense variant is expected to disrupt BLM protein function with a positive predictive value of 80%. In summary, the available evidence is currently insufficient to determine the role of this variant in disease. Therefore, it has been classified as a Variant of Uncertain Significance.

Ambry Genetics
Classification: Uncertain significance for Hereditary cancer-predisposing syndrome. Last evaluated: 2019-07-13. Review status: criteria provided, single submitter. Criteria: Ambry Variant Classification Scheme 2023. Collection method: clinical testing. Allele origin: germline.
Comment: The p.R979K variant (also known as c.2936G>A), located in coding exon 14 of the BLM gene, results from a G to A substitution at nucleotide position 2936. The arginine at codon 979 is replaced by lysine, an amino acid with highly similar properties. This amino acid position is highly conserved in available vertebrate species. In addition, this alteration is predicted to be deleterious by in silico analysis. Since supporting evidence is limited at this time, the clinical significance of this alteration remains unclear.

NM_000057.4(BLM):c.2936G>A (p.Arg979Lys)

Gene: BLM (BLM RecQ like helicase; plus strand). Cytogenetic location: 15q26.1.
Variant type: single nucleotide variant.
Coding change: c.2936G>A on transcript NM_000057.4 (MANE Select); coding-DNA position 2936, G replaced by A.
Protein change: p.Arg979Lys; replaces arginine 979 with lysine.
Molecular consequence: missense variant.
Genome position (GRCh38, 1-based): chr15:90,790,761, G>A. VCF-style: chr15-90790761-G-A. GRCh37 (hg19) VCF-style: chr15-91333991-G-A.
Other names: c.2936G>A, p.Arg979Lys (NM_001287246.2, NM_001287247.2); c.1811G>A, p.Arg604Lys (NM_001287248.2); short protein forms R604K, R979K.
Identifiers: ClinVar variation 822308 (VCV000822308.12), dbSNP rs944867688, ClinGen allele CA274764688.